The following is an entry in ClinVar:

NM_015047.3(EMC1):c.955A>G (p.Thr319Ala)

Genes: EMC1 (ER membrane protein complex subunit 1; minus strand), EMC1-AS1 (EMC1 antisense RNA 1; plus strand). Cytogenetic location: 1p36.13.
Variant type: single nucleotide variant.
Coding change: c.955A>G on transcript NM_015047.3 (MANE Select); coding-DNA position 955, A replaced by G.
Protein change: p.Thr319Ala; replaces threonine 319 with alanine.
Molecular consequence: missense variant.
Genome position (GRCh38, 1-based): chr1:19,239,302, T>C on the plus strand (A>G on the coding strand, the complement: EMC1 is on the minus strand). VCF-style: chr1-19239302-T-C. GRCh37 (hg19) VCF-style: chr1-19565796-T-C.
Other names: c.955A>G, p.Thr319Ala (NM_001271427.2, NM_001271428.2, NM_001375820.1 and 1 more transcripts); c.889A>G, p.Thr297Ala (NM_001271429.2); short protein forms T297A, T319A.
Identifiers: ClinVar variation 4713966 (VCV004713966.1).

ClinVar aggregate classification (germline): Uncertain significance (1 of 4 stars; one submission).

Submission:

Labcorp Genetics (formerly Invitae), Labcorp
Classification: Uncertain significance. Last evaluated: 2025-02-27. Review status: criteria provided, single submitter. Criteria: Invitae Variant Classification Sherloc (09022015). Collection method: clinical testing. Allele origin: germline.
Comment: This sequence change replaces threonine, which is neutral and polar, with alanine, which is neutral and non-polar, at codon 319 of the EMC1 protein (p.Thr319Ala). This variant is not present in population databases (gnomAD no frequency). This variant has not been reported in the literature in individuals affected with EMC1-related conditions. An algorithm developed to predict the effect of missense changes on protein structure and function outputs the following: PolyPhen-2: "Benign". The alanine amino acid residue is found in multiple mammalian species, which suggests that this missense change does not adversely affect protein function. In summary, the available evidence is currently insufficient to determine the role of this variant in disease. Therefore, it has been classified as a Variant of Uncertain Significance.